The following is an entry in ClinVar:

ClinVar aggregate classification (germline): Uncertain significance (1 of 4 stars; one submission).

Submission:

GeneDx
Classification: Uncertain significance. Last evaluated: 2023-08-02. Review status: criteria provided, single submitter. Criteria: GeneDx Variant Classification Process June 2021. Collection method: clinical testing. Allele origin: germline. Affected: yes.
Comment: Not observed at significant frequency in large population cohorts (gnomAD); In silico analysis supports that this missense variant does not alter protein structure/function; Has not been previously published as pathogenic or benign to our knowledge

NM_001292034.3(TAB2):c.507A>T (p.Gln169His)

Gene: TAB2 (TGF-beta activated kinase 1 (MAP3K7) binding protein 2; plus strand). Cytogenetic location: 6q25.1.
Variant type: single nucleotide variant.
Coding change: c.507A>T on transcript NM_001292034.3 (MANE Select); coding-DNA position 507, A replaced by T.
Protein change: p.Gln169His; replaces glutamine 169 with histidine.
Molecular consequence: missense variant.
Genome position (GRCh38, 1-based): chr6:149,378,422, A>T. VCF-style: chr6-149378422-A-T. GRCh37 (hg19) VCF-style: chr6-149699558-A-T.
Other names: c.411A>T, p.Gln137His (NM_001292035.3); c.507A>T, p.Gln169His (NM_001369506.1, NM_015093.6); short protein forms Q137H, Q169H.
Identifiers: ClinVar variation 3361697 (VCV003361697.1).
Genomic context (GRCh38, chr6:149,378,422, plus strand): 5'-AAATTCAGCACCACATCTTGGATTTCACTTAGGCAGCAAAGGAACATCTAGCCTTTCTCA[A>T]CAAACTCCCAGATTTAATCCCATTATGGTAACTTTAGCCCCAAATATCCAGACTGGTCGT-3'
Protein context (NP_001278963.1, residues 159-179): LGSKGTSSLS[Gln169His]QTPRFNPIMV